The following is an entry in ClinVar:

NM_014956.5(CEP164):c.194+9G>C

Gene: CEP164 (centrosomal protein 164; plus strand). Cytogenetic location: 11q23.3.
Variant type: single nucleotide variant.
Coding change: c.194+9G>C on transcript NM_014956.5 (MANE Select); 9 bases into the intron after coding-DNA position 194, G replaced by C.
Molecular consequence: intron variant.
Genome position (GRCh38, 1-based): chr11:117,344,286, G>C. VCF-style: chr11-117344286-G-C. GRCh37 (hg19) VCF-style: chr11-117215002-G-C.
Other names: c.194+9G>C (NM_014956.4, NM_001271933.2).
Identifiers: ClinVar variation 2883526 (VCV002883526.5), dbSNP rs925803866, ClinGen allele CA229375225.

ClinVar aggregate classification (germline): Likely benign. Review status: criteria provided, multiple submitters, no conflicts (2 of 4 stars). 3 submissions from 3 submitters: Likely benign (2). 1 of the submissions does not count toward it. Last evaluated 2023-10-09.

Conditions:
CEP164-related disorder. Also called: CEP164-related condition.
Nephronophthisis 15 (NPHP15). Identifiers: Orphanet 3156, MedGen C3541853, MONDO:0013917, OMIM 614845.

Allele frequency attached by ClinVar (database versions not stated): gnomAD 0.00004; TOPMed 0.00004.
gnomAD v4.1: 11 of 1,595,146 alleles (0.00069%); highest among the groups gnomAD compares: African/African-American, 0.015%; no homozygotes.

Submissions (3):

Labcorp Genetics (formerly Invitae), Labcorp
Classification: Likely benign for Nephronophthisis 15. Last evaluated: 2023-10-09. Review status: criteria provided, single submitter. Criteria: Invitae Variant Classification Sherloc (09022015). Collection method: clinical testing. Allele origin: germline.

Blueprint Genetics
Classification: Likely benign. Last evaluated: 2022-06-16. Review status: criteria provided, single submitter. Criteria: ACMG Guidelines, 2015. Collection method: clinical testing. Allele origin: germline.

PreventionGenetics, part of Exact Sciences
Classification: Likely benign for CEP164-related condition. Last evaluated: 2024-08-13. Review status: no assertion criteria provided. Collection method: clinical testing. Allele origin: germline. Not counted in ClinVar's aggregate classification.
Comment: This variant is classified as likely benign based on ACMG/AMP sequence variant interpretation guidelines (Richards et al. 2015 PMID: 25741868, with internal and published modifications).